The following is an entry in ClinVar:

ClinVar aggregate classification (germline): Uncertain significance (1 of 4 stars; one submission).

Conditions:
Cardiovascular phenotype. Identifiers: MedGen CN230736.

Submission:

Ambry Genetics
Classification: Uncertain significance for Cardiovascular phenotype. Last evaluated: 2026-04-18. Review status: criteria provided, single submitter. Criteria: Ambry Variant Classification Scheme 2023. Collection method: clinical testing. Allele origin: germline.
Comment: The p.S27T variant (also known as c.79T>A), located in coding exon 1 of the TNXB gene, results from a T to A substitution at nucleotide position 79. The serine at codon 27 is replaced by threonine, an amino acid with similar properties. This amino acid position is conserved. In addition, this alteration is predicted to be tolerated by in silico analysis. Based on the available evidence, the clinical significance of this variant remains unclear.

NM_001365276.2(TNXB):c.79T>A (p.Ser27Thr)

Gene: TNXB (tenascin XB; minus strand). Cytogenetic location: 6p21.33.
Variant type: single nucleotide variant.
Coding change: c.79T>A on transcript NM_001365276.2 (MANE Select); coding-DNA position 79, T replaced by A.
Protein change: p.Ser27Thr; replaces serine 27 with threonine.
Molecular consequence: missense variant.
Genome position (GRCh38, 1-based): chr6:32,098,120, A>T on the plus strand (T>A on the coding strand, the complement: TNXB is on the minus strand). VCF-style: chr6-32098120-A-T. GRCh37 (hg19) VCF-style: chr6-32065897-A-T.
Other names: c.79T>A, p.Ser27Thr (NM_001428335.1, NM_019105.8); short protein forms S27T.
Identifiers: ClinVar variation 4865814 (VCV004865814.1).